The following is an entry in ClinVar:

ClinVar aggregate classification (germline): Pathogenic/Likely pathogenic. Review status: criteria provided, multiple submitters, no conflicts (2 of 4 stars). 3 submissions from 3 submitters: Pathogenic (1); Likely pathogenic (2). Last evaluated 2025-12-16.

Conditions:
Microcephaly 5, primary, autosomal recessive (MCPH5). Also called: ASPM Primary Microcephaly. Identifiers: Orphanet 2512, MedGen C1837501, MONDO:0012106, OMIM 608716.

gnomAD v4.1: 6 of 1,611,808 alleles (0.00037%); highest among the groups gnomAD compares: South Asian, 0.0055%; no homozygotes.

Submissions (3):

Labcorp Genetics (formerly Invitae), Labcorp
Classification: Pathogenic. Last evaluated: 2025-12-16. Review status: criteria provided, single submitter. Criteria: Invitae Variant Classification Sherloc (09022015). Collection method: clinical testing. Allele origin: germline.
Comment: This sequence change creates a premature translational stop signal (p.Tyr2658*) in the ASPM gene. It is expected to result in an absent or disrupted protein product. Loss-of-function variants in ASPM are known to be pathogenic (PMID: 19028728, 23611254). This variant is present in population databases (rs758056373, gnomAD 0.007%). This variant has not been reported in the literature in individuals affected with ASPM-related conditions. ClinVar contains an entry for this variant (Variation ID: 4081192). For these reasons, this variant has been classified as Pathogenic.

First Genomix Gene Laboratory, Genetic Diagnostics Department
Classification: Likely pathogenic for Microcephaly 5, primary, autosomal recessive. Last evaluated: 2025-01-06. Review status: criteria provided, single submitter. Criteria: ACMG Guidelines, 2015. Collection method: clinical testing. Allele origin: germline. Inheritance: Autosomal recessive inheritance. Affected: no. Observed: 1 variant allele.

Revvity Omics, Revvity
Classification: Likely pathogenic for Microcephaly 5, primary, autosomal recessive. Last evaluated: 2024-04-12. Review status: criteria provided, single submitter. Criteria: ACMG Guidelines, 2015. Collection method: clinical testing. Allele origin: germline.

Literature cited by the submitters: PubMed 19028728 (cited by Labcorp Genetics (formerly Invitae), Labcorp); PubMed 23611254 (cited by Labcorp Genetics (formerly Invitae), Labcorp).

NM_018136.5(ASPM):c.7974C>A (p.Tyr2658Ter)

Gene: ASPM (assembly factor for spindle microtubules; minus strand). Cytogenetic location: 1q31.3.
Variant type: single nucleotide variant.
Coding change: c.7974C>A on transcript NM_018136.5 (MANE Select); coding-DNA position 7974, C replaced by A.
Protein change: p.Tyr2658Ter; replaces tyrosine 2658 with a stop codon.
Molecular consequence: nonsense. On other transcripts: intron variant (1).
Genome position (GRCh38, 1-based): chr1:197,101,277, G>T on the plus strand (C>A on the coding strand, the complement: ASPM is on the minus strand). VCF-style: chr1-197101277-G-T. GRCh37 (hg19) VCF-style: chr1-197070407-G-T.
Other names: c.4066-5113C>A (NM_001206846.2); short protein forms Y2658*.
Identifiers: ClinVar variation 4081192 (VCV004081192.3).